The following is an entry in ClinVar:

NM_005902.4(SMAD3):c.513G>T (p.Glu171Asp)

Gene: SMAD3 (SMAD family member 3; plus strand). Cytogenetic location: 15q22.33.
Variant type: single nucleotide variant.
Coding change: c.513G>T on transcript NM_005902.4 (MANE Select); coding-DNA position 513, G replaced by T.
Protein change: p.Glu171Asp; replaces glutamic acid 171 with aspartic acid.
Molecular consequence: missense variant. On other transcripts: intron variant (2).
Genome position (GRCh38, 1-based): chr15:67,165,365, G>T. VCF-style: chr15-67165365-G-T. GRCh37 (hg19) VCF-style: chr15-67457703-G-T.
Other names: c.198G>T, p.Glu66Asp (NM_001145102.2, NM_001407016.1); c.381G>T, p.Glu127Asp (NM_001145103.2); c.513G>T, p.Glu171Asp (NM_001407011.1, NM_001407013.1); c.366G>T, p.Glu122Asp (NM_001407014.1); c.400+277G>T (NM_001407012.1); c.85+277G>T (NM_001407015.1); short protein forms E122D, E127D, E171D, E66D.
Identifiers: ClinVar variation 3704024 (VCV003704024.2).

ClinVar aggregate classification (germline): Uncertain significance (1 of 4 stars; one submission).

Conditions:
Familial thoracic aortic aneurysm and aortic dissection (TAAD). Also called: Thoracic aortic aneurysms and dissections. Identifiers: Orphanet 91387, MedGen C4707243, MONDO:0019625.

gnomAD v4.1: 32 of 1,614,134 alleles (0.002%); highest among the groups gnomAD compares: Non-Finnish European, 0.0027%; no homozygotes.

Submission:

Labcorp Genetics (formerly Invitae), Labcorp
Classification: Uncertain significance for Familial thoracic aortic aneurysm and aortic dissection. Last evaluated: 2024-11-27. Review status: criteria provided, single submitter. Criteria: Invitae Variant Classification Sherloc (09022015). Collection method: clinical testing. Allele origin: germline.
Comment: This sequence change replaces glutamic acid, which is acidic and polar, with aspartic acid, which is acidic and polar, at codon 171 of the SMAD3 protein (p.Glu171Asp). This variant is not present in population databases (gnomAD no frequency). This variant has not been reported in the literature in individuals affected with SMAD3-related conditions. Invitae Evidence Modeling of protein sequence and biophysical properties (such as structural, functional, and spatial information, amino acid conservation, physicochemical variation, residue mobility, and thermodynamic stability) indicates that this missense variant is not expected to disrupt SMAD3 protein function with a negative predictive value of 80%. In summary, the available evidence is currently insufficient to determine the role of this variant in disease. Therefore, it has been classified as a Variant of Uncertain Significance.